The following is an entry in ClinVar:

ClinVar aggregate classification (germline): Pathogenic (1 of 4 stars; one submission).

Submission:

Labcorp Genetics (formerly Invitae), Labcorp
Classification: Pathogenic. Last evaluated: 2023-03-18. Review status: criteria provided, single submitter. Criteria: Invitae Variant Classification Sherloc (09022015). Collection method: clinical testing. Allele origin: germline.
Comment: For these reasons, this variant has been classified as Pathogenic. This variant has not been reported in the literature in individuals affected with C5-related conditions. This variant is not present in population databases (gnomAD no frequency). This sequence change creates a premature translational stop signal (p.Leu965*) in the C5 gene. It is expected to result in an absent or disrupted protein product. Loss-of-function variants in C5 are known to be pathogenic (PMID: 7730648, 19414197, 27026170).

Literature cited by the submitters: PubMed 7730648; PubMed 19414197; PubMed 27026170.

NM_001735.3(C5):c.2894T>G (p.Leu965Ter)

Gene: C5 (complement C5; minus strand). Cytogenetic location: 9q33.2.
Variant type: single nucleotide variant.
Coding change: c.2894T>G on transcript NM_001735.3 (MANE Select); coding-DNA position 2894, T replaced by G.
Protein change: p.Leu965Ter; replaces leucine 965 with a stop codon.
Molecular consequence: nonsense.
Genome position (GRCh38, 1-based): chr9:120,991,238, A>C on the plus strand (T>G on the coding strand, the complement: C5 is on the minus strand). VCF-style: chr9-120991238-A-C. GRCh37 (hg19) VCF-style: chr9-123753516-A-C.
Other names: c.2912T>G, p.Leu971Ter (NM_001317163.2); short protein forms L965*, L971*.
Identifiers: ClinVar variation 2847186 (VCV002847186.3), dbSNP rs375555428, ClinGen allele CA374734824.